The following is an entry in ClinVar:

ClinVar aggregate classification (germline): Likely benign (1 of 4 stars; one submission).

gnomAD v4.1: 1 of 1,614,114 alleles (0.000062%); highest among the groups gnomAD compares: Non-Finnish European, 0.000085%; no homozygotes.

Submission:

CeGaT Center for Human Genetics Tuebingen
Classification: Likely benign. Last evaluated: 2026-01-01. Review status: criteria provided, single submitter. Criteria: CeGaT Center For Human Genetics Tuebingen Variant Classification Criteria Version 2. Collection method: clinical testing. Allele origin: germline. Affected: yes. Observed: 1 variant allele.
Comment: RFX3: BP4, BP7

NM_001282116.2(RFX3):c.441A>G (p.Ser147=)

Gene: RFX3 (regulatory factor X3; minus strand). Cytogenetic location: 9p24.2.
Variant type: single nucleotide variant.
Coding change: c.441A>G on transcript NM_001282116.2 (MANE Select); coding-DNA position 441, A replaced by G.
Protein change: p.Ser147=; no amino-acid change (serine 147 retained).
Molecular consequence: synonymous variant.
Genome position (GRCh38, 1-based): chr9:3,330,292, T>C on the plus strand (A>G on the coding strand, the complement: RFX3 is on the minus strand). VCF-style: chr9-3330292-T-C. GRCh37 (hg19) VCF-style: chr9-3330292-T-C.
Other names: c.441A>G, p.Ser147= (NM_001282117.2, NM_001377999.1, NM_002919.4 and 1 more transcripts).
Identifiers: ClinVar variation 4823006 (VCV004823006.4).
Genomic context (GRCh38, chr9:3,330,292, plus strand): 5'-TAAACTACTAAAAATTCAAATACTTACTGTCGCTGGGGAGGCCCGAGTTGTGTGTGTCAC[T>C]GAGTGACCAGAATTCTCCATTGAGTTGCCGATCAGATAGGTTCCTCCAGAGCTGCTGATG-3'
Protein context (NP_001269045.1, residues 137-157): IGNSMENSGH[Ser147=]VTHTTRASPA